The following is an entry in ClinVar:

GRCh38/hg38 Xp22.31(chrX:6536171-8147112)x1

Genes: MIR4767 (microRNA 4767; plus strand), MIR651 (microRNA 651; plus strand), PNPLA4 (patatin like domain 4, phospholipase and triacylglycerol lipase; minus strand), PUDP (pseudouridine 5'-phosphatase; minus strand), STS (steroid sulfatase; plus strand) and 21 more. Cytogenetic location: Xp22.31.
Variant type: copy number loss.
Change: copy number 1 of chrX:6,536,171-8,147,112 (1.61 Mb, GRCh38 coordinates, 1-based), cytogenetic band Xp22.31.
Identifiers: ClinVar variation 148623 (VCV000148623.3).

ClinVar aggregate classification (germline): no classifications from unflagged records (0 of 4 stars; one submission).

Submission:

ISCA site 1
Classification: Likely benign. Last evaluated: 2018-02-09. Review status: flagged submission. Collection method: clinical testing. Allele origin: unknown. Affected: yes. Observed: 1 variant allele.
Comment: Copy number variation identified through the course of routine clinical cytogenomic testing in postnatal populations, with clinical assertions as classified by the original submitter. For data from the original published study, Kaminsky, et al. 2011 (PubMed 21844811), please see nstd101.
ClinVar note: Notes: This submission was flagged because its interpretation of this variant conflicts with the ClinGen Gene Dosage Map curation for the gene STS.
ClinVar note: Reason: Conflict with ClinGen Gene Dosage Map